The following is an entry in ClinVar:

NM_001903.5(CTNNA1):c.589-13T>G

Gene: CTNNA1 (catenin alpha 1; plus strand). Cytogenetic location: 5q31.2.
Variant type: single nucleotide variant.
Coding change: c.589-13T>G on transcript NM_001903.5 (MANE Select); 13 bases into the intron before coding-DNA position 589, T replaced by G.
Molecular consequence: intron variant.
Genome position (GRCh38, 1-based): chr5:138,824,517, T>G. VCF-style: chr5-138824517-T-G. GRCh37 (hg19) VCF-style: chr5-138160206-T-G.
Other names: c.589-13T>G (NM_001323982.2, NM_001323984.2, NM_001290307.3 and 3 more transcripts); c.220-13T>G (NM_001290310.3); c.280-13T>G (NM_001290309.3).
Identifiers: ClinVar variation 2007416 (VCV002007416.4), dbSNP rs751135876, ClinGen allele CA2580072842.
Genomic context (GRCh38, chr5:138,824,517, plus strand): 5'-TACCAGCAAATTTTTATATGAGTAAAGCCCATATAAAGAGTGCTCCAATTTCTTGTTTTA[T>G]TTACTCTTGTAGGAATTGAAAGATGTTGGCCATCGTGATCAGATGGCTGCAGCTAGAGGA-3'

ClinVar aggregate classification (germline): Uncertain significance (1 of 4 stars; one submission).

Submission:

Labcorp Genetics (formerly Invitae), Labcorp
Classification: Uncertain significance. Last evaluated: 2022-06-16. Review status: criteria provided, single submitter. Criteria: Invitae Variant Classification Sherloc (09022015). Collection method: clinical testing. Allele origin: germline.
Comment: In summary, the available evidence is currently insufficient to determine the role of this variant in disease. Therefore, it has been classified as a Variant of Uncertain Significance. Studies have shown that this variant is associated with altered splicing resulting in unknown protein product impact (Invitae). This variant has not been reported in the literature in individuals affected with CTNNA1-related conditions. This variant is not present in population databases (gnomAD no frequency). This sequence change falls in intron 5 of the CTNNA1 gene. It does not directly change the encoded amino acid sequence of the CTNNA1 protein.